The following is an entry in ClinVar:

ClinVar aggregate classification (germline): Uncertain significance (1 of 4 stars; one submission).

Conditions:
Epidermolysis bullosa simplex with nail dystrophy (EBS5D). Identifiers: MedGen C4225309, MONDO:0014661, OMIM 616487.
Epidermolysis bullosa simplex, Ogna type (EBS5A). Also called: Pidermolysis bullosa simplex 5A, Ogna type; EPIDERMOLYSIS BULLOSA SIMPLEX 5A, OGNA TYPE. Identifiers: Orphanet 79401, MedGen C0432317, MONDO:0007555, OMIM 131950.
Autosomal recessive limb-girdle muscular dystrophy type 2Q (LGMDR17). Also called: MUSCULAR DYSTROPHY, LIMB-GIRDLE, AUTOSOMAL RECESSIVE 17. Identifiers: Orphanet 254361, MedGen C3150989, MONDO:0013390, OMIM 613723.
Epidermolysis bullosa simplex 5B, with muscular dystrophy (EBS5B). Also called: EPIDERMOLYSIS BULLOSA SIMPLEX AND LIMB-GIRDLE MUSCULAR DYSTROPHY; Epidermolysis bullosa simplex with muscular dystrophy. Identifiers: Orphanet 257, MedGen C2931072, MONDO:0009181, OMIM 226670.
Epidermolysis bullosa simplex 5C, with pyloric atresia (EBS5C). Also called: PLEC-Related Epidermolysis Bullosa with Pyloric Atresia; Epidermolysis bullosa simplex with pyloric atresia; PLEC1-Related Epidermolysis Bullosa with Pyloric Atresia. Identifiers: Orphanet 158684, MedGen C2677349, MONDO:0012807, OMIM 612138.

Submission:

Labcorp Genetics (formerly Invitae), Labcorp
Classification: Uncertain significance for Autosomal recessive limb-girdle muscular dystrophy type 2Q; Epidermolysis bullosa simplex, Ogna type; Epidermolysis bullosa simplex with nail dystrophy; Epidermolysis bullosa simplex 5C, with pyloric atresia; Epidermolysis bullosa simplex 5B, with muscular dystrophy. Last evaluated: 2024-09-30. Review status: criteria provided, single submitter. Criteria: Invitae Variant Classification Sherloc (09022015). Collection method: clinical testing. Allele origin: germline.
Comment: This sequence change replaces serine, which is neutral and polar, with arginine, which is basic and polar, at codon 3140 of the PLEC protein (p.Ser3140Arg). This variant is not present in population databases (gnomAD no frequency). This variant has not been reported in the literature in individuals affected with PLEC-related conditions. An algorithm developed to predict the effect of missense changes on protein structure and function (PolyPhen-2) suggests that this variant is likely to be disruptive. In summary, the available evidence is currently insufficient to determine the role of this variant in disease. Therefore, it has been classified as a Variant of Uncertain Significance.

NM_201384.3(PLEC):c.9339C>A (p.Ser3113Arg)

Gene: PLEC (plectin; minus strand). Cytogenetic location: 8q24.3.
Variant type: single nucleotide variant.
Coding change: c.9339C>A on transcript NM_201384.3 (MANE Select); coding-DNA position 9339, C replaced by A.
Protein change: p.Ser3113Arg; replaces serine 3113 with arginine.
Molecular consequence: missense variant.
Genome position (GRCh38, 1-based): chr8:143,920,482, G>T on the plus strand (C>A on the coding strand, the complement: PLEC is on the minus strand). VCF-style: chr8-143920482-G-T. GRCh37 (hg19) VCF-style: chr8-144994650-G-T.
Other names: c.9750C>A, p.Ser3250Arg (NM_201380.4); c.9243C>A, p.Ser3081Arg (NM_201381.3); c.9339C>A, p.Ser3113Arg (NM_201382.4); c.9351C>A, p.Ser3117Arg (NM_201383.3); c.9420C>A, p.Ser3140Arg (NM_000445.5); c.6039C>A, p.Ser2013Arg (NM_001410941.1); c.9297C>A, p.Ser3099Arg (NM_201378.4); c.9273C>A, p.Ser3091Arg (NM_201379.3); short protein forms S2013R, S3081R, S3091R, S3099R, S3113R, S3117R, S3140R, S3250R.
Identifiers: ClinVar variation 3757364 (VCV003757364.2).